The following is an entry in ClinVar:

NM_006031.6(PCNT):c.2638G>A (p.Glu880Lys)

Gene: PCNT (pericentrin; plus strand). Cytogenetic location: 21q22.3.
Variant type: single nucleotide variant.
Coding change: c.2638G>A on transcript NM_006031.6 (MANE Select); coding-DNA position 2638, G replaced by A.
Protein change: p.Glu880Lys; replaces glutamic acid 880 with lysine.
Molecular consequence: missense variant.
Genome position (GRCh38, 1-based): chr21:46,366,612, G>A. VCF-style: chr21-46366612-G-A. GRCh37 (hg19) VCF-style: chr21-47786527-G-A.
Other names: c.2638G>A (NM_006031.5); c.2284G>A, p.Glu762Lys (NM_001315529.2); short protein forms E762K, E880K.
Identifiers: ClinVar variation 1910598 (VCV001910598.5), dbSNP rs779642402, ClinGen allele CA10079056.

ClinVar aggregate classification (germline): Uncertain significance. Review status: criteria provided, multiple submitters, no conflicts (2 of 4 stars). 3 submissions from 3 submitters: Uncertain significance (2). 1 of the submissions does not count toward it. Last evaluated 2024-03-19.

Conditions:
Microcephalic osteodysplastic primordial dwarfism type II (MOPD2). Also called: Microcephalic osteodysplastic primordial dwarfism with tooth abnormalities; MOPD II; OSTEODYSPLASTIC PRIMORDIAL DWARFISM, TYPE II. Identifiers: Orphanet 2637, MedGen C0432246, MONDO:0008872, OMIM 210720.
PCNT-related disorder. Also called: PCNT-related condition.

Allele frequency attached by ClinVar (database versions not stated): ExAC 0.00001; gnomAD exomes 0.00001; gnomAD 0.00007; TOPMed 0.00013.
gnomAD v4.1: 24 of 1,613,954 alleles (0.0015%); highest among the groups gnomAD compares: African/African-American, 0.021%; no homozygotes.

Submissions (3):

Fulgent Genetics
Classification: Uncertain significance for Microcephalic osteodysplastic primordial dwarfism type II. Last evaluated: 2024-03-19. Review status: criteria provided, single submitter. Criteria: ACMG Guidelines, 2015. Collection method: clinical testing. Allele origin: germline.

Labcorp Genetics (formerly Invitae), Labcorp
Classification: Uncertain significance. Last evaluated: 2022-08-16. Review status: criteria provided, single submitter. Criteria: Invitae Variant Classification Sherloc (09022015). Collection method: clinical testing. Allele origin: germline.
Comment: This sequence change replaces glutamic acid, which is acidic and polar, with lysine, which is basic and polar, at codon 880 of the PCNT protein (p.Glu880Lys). This variant is present in population databases (rs779642402, gnomAD 0.02%). This variant has not been reported in the literature in individuals affected with PCNT-related conditions. Algorithms developed to predict the effect of missense changes on protein structure and function are either unavailable or do not agree on the potential impact of this missense change (SIFT: "Tolerated"; PolyPhen-2: "Possibly Damaging"; Align-GVGD: "Class C0"). In summary, the available evidence is currently insufficient to determine the role of this variant in disease. Therefore, it has been classified as a Variant of Uncertain Significance.

PreventionGenetics, part of Exact Sciences
Classification: Uncertain significance for PCNT-related condition. Last evaluated: 2024-07-23. Review status: no assertion criteria provided. Collection method: clinical testing. Allele origin: germline. Not counted in ClinVar's aggregate classification.
Comment: The PCNT c.2638G>A variant is predicted to result in the amino acid substitution p.Glu880Lys. To our knowledge, this variant has not been reported in the literature. This variant is reported in 0.020% of alleles in individuals of African descent in gnomAD. At this time, the clinical significance of this variant is uncertain due to the absence of conclusive functional and genetic evidence.